The following is an entry in ClinVar:

NM_002801.4(PSMB10):c.212AGA[1] (p.Lys72del)

Gene: PSMB10 (proteasome 20S subunit beta 10; minus strand). Cytogenetic location: 16q22.1.
Variant type: Microsatellite.
Coding change: c.212AGA[1] on transcript NM_002801.4 (MANE Select); one copy of the 3-base unit AGA starting at c.212; the reference has two copies in a row; one copy, 3 bases deleted.
Protein change: p.Lys72del; deletes lysine 72.
Molecular consequence: inframe deletion.
Genome position (GRCh38, 1-based): chr16:67,936,240-67,936,242, TCT deleted on the plus strand (AGA on the coding strand, the reverse complement: PSMB10 is on the minus strand); deleting any 3 consecutive bases within chr16:67,936,240-67,936,245 gives the same sequence; the position shown is the placement nearest the transcript's 3' end. VCF-style (leftmost placement, unchanged base first): chr16-67936239-ATCT-A. GRCh37 (hg19) VCF-style: chr16-67970142-ATCT-A.
Other names: short protein forms K72del.
Identifiers: ClinVar variation 2630424 (VCV002630424.1), dbSNP rs2544399114, ClinGen allele CA2695197663.
Genomic context (GRCh38, chr16:67,936,239, plus strand): 5'-TTTTTTGCGTACGGGAACTGGGCTCGGGAGTCTCACTAGATTTTGGGGGCGATGAAGTGG[ATCT>A]TCTCGCAGCTCTTGTCCGCCACGACCGAATCGTTAGTGGCTCGCGTATCGGCGCCCAGAA-3'

ClinVar aggregate classification (germline): Uncertain significance (1 of 4 stars; one submission).

Conditions:
PSMB10-related disorder. Also called: PSMB10-related condition.

Submission:

PreventionGenetics, part of Exact Sciences
Classification: Uncertain significance for PSMB10-related condition. Last evaluated: 2023-03-14. Review status: criteria provided, single submitter. Criteria: ACMG Guidelines, 2015. Collection method: clinical testing. Allele origin: germline.
Comment: The PSMB10 c.215_217delAGA variant is predicted to result in an in-frame deletion (p.Lys72del). To our knowledge, this variant has not been reported in the literature or in a large population database, indicating this variant is rare. At this time, the clinical significance of this variant is uncertain due to the absence of conclusive functional and genetic evidence.